The following is an entry in ClinVar:

ClinVar aggregate classification (germline): Pathogenic (1 of 4 stars; one submission).

Conditions:
Neurofibromatosis, type 1 (NF1). Also called: VON RECKLINGHAUSEN DISEASE; NEUROFIBROMATOSIS, TYPE I, SOMATIC; Peripheral type neurofibromatosis; Neurofibromatosis, type I. Identifiers: Orphanet 636, MedGen C0027831, MONDO:0018975, OMIM 162200. Disease mechanism: loss of function.

Submission:

Labcorp Genetics (formerly Invitae), Labcorp
Classification: Pathogenic for Neurofibromatosis, type 1. Last evaluated: 2021-05-18. Review status: criteria provided, single submitter. Criteria: Invitae Variant Classification Sherloc (09022015). Collection method: clinical testing. Allele origin: germline.
Comment: For these reasons, this variant has been classified as Pathogenic. This variant has been observed in individual(s) with neurofibromatosis type 1 (PMID: 23913538). ClinVar contains an entry for this variant (Variation ID: 956108). This sequence change creates a premature translational stop signal (p.Leu1607*) in the NF1 gene. It is expected to result in an absent or disrupted protein product. Loss-of-function variants in NF1 are known to be pathogenic (PMID: 10712197, 23913538). This variant is not present in population databases (ExAC no frequency).

Literature cited by the submitters: PubMed 23913538; PubMed 10712197.

NM_001042492.3(NF1):c.4883T>G (p.Leu1628Ter)

Gene: NF1 (neurofibromin 1; plus strand). Cytogenetic location: 17q11.2.
Variant type: single nucleotide variant.
Coding change: c.4883T>G on transcript NM_001042492.3 (MANE Select); coding-DNA position 4883, T replaced by G.
Protein change: p.Leu1628Ter; replaces leucine 1628 with a stop codon.
Molecular consequence: nonsense.
Genome position (GRCh38, 1-based): chr17:31,325,867, T>G. VCF-style: chr17-31325867-T-G. GRCh37 (hg19) VCF-style: chr17-29652885-T-G.
Other names: c.4820T>G, p.Leu1607Ter (NM_000267.4); short protein forms L1628*, L1607*.
Identifiers: ClinVar variation 956108 (VCV000956108.5), dbSNP rs2069326534, ClinGen allele CA399007028.